The following is an entry in ClinVar:

ClinVar aggregate classification (germline): Uncertain significance. Review status: criteria provided, single submitter (1 of 4 stars). 2 submissions from 2 submitters: Uncertain significance (1). 1 of the submissions does not count toward it. Last evaluated 2024-02-06.

Conditions:
Ehlers-Danlos syndrome, classic type, 1 (EDSCL1). Also called: Ehlers-Danlos syndrome, type 1; Ehlers-Danlos Syndrome, Classic Type, COL5A1-Related; EDS I; EHLERS-DANLOS SYNDROME, GRAVIS TYPE; EHLERS-DANLOS SYNDROME, SEVERE CLASSIC TYPE. Identifiers: MedGen C0268335, MONDO:0019567, OMIM 130000.
Osteogenesis imperfecta type I (OI1). Also called: Osteogenesis imperfecta type 1; Lobstein's Disease; Lobstein disease; OI, TYPE I; OSTEOGENESIS IMPERFECTA TARDA; OSTEOGENESIS IMPERFECTA WITH BLUE SCLERAE. Identifiers: Orphanet 216796, Orphanet 666, MedGen C0023931, MONDO:0008146, OMIM 166200. Disease mechanism: loss of function.
Ehlers-Danlos syndrome, cardiac valvular type. Identifiers: Orphanet 230851, MedGen C4303789, MONDO:0009159, OMIM 225320.

Submissions (2):

Labcorp Genetics (formerly Invitae), Labcorp
Classification: Uncertain significance for Osteogenesis imperfecta type I; Ehlers-Danlos syndrome, classic type, 1. Last evaluated: 2024-02-06. Review status: criteria provided, single submitter. Criteria: Invitae Variant Classification Sherloc (09022015). Collection method: clinical testing. Allele origin: germline.
Comment: This sequence change replaces arginine, which is basic and polar, with cysteine, which is neutral and slightly polar, at codon 224 of the COL1A2 protein (p.Arg224Cys). This variant is not present in population databases (gnomAD no frequency). This variant has not been reported in the literature in individuals affected with COL1A2-related conditions. ClinVar contains an entry for this variant (Variation ID: 1810759). Advanced modeling of protein sequence and biophysical properties (such as structural, functional, and spatial information, amino acid conservation, physicochemical variation, residue mobility, and thermodynamic stability) performed at Invitae indicates that this missense variant is expected to disrupt COL1A2 protein function with a positive predictive value of 95%. In summary, the available evidence is currently insufficient to determine the role of this variant in disease. Therefore, it has been classified as a Variant of Uncertain Significance.

PG23_Medical Genetics Lab, ASST Papa Giovanni XXIII
Classification: Likely pathogenic for Ehlers-Danlos syndrome, cardiac valvular type. Last evaluated: 2024-01-11. Review status: no assertion criteria provided. Collection method: clinical testing. Allele origin: germline. Inheritance: Autosomal dominant inheritance. Affected: yes. Not counted in ClinVar's aggregate classification.

NM_000089.4(COL1A2):c.670C>T (p.Arg224Cys)

Gene: COL1A2 (collagen type I alpha 2 chain; plus strand). Cytogenetic location: 7q21.3.
Variant type: single nucleotide variant.
Coding change: c.670C>T on transcript NM_000089.4 (MANE Select); coding-DNA position 670, C replaced by T.
Protein change: p.Arg224Cys; replaces arginine 224 with cysteine.
Molecular consequence: missense variant.
Genome position (GRCh38, 1-based): chr7:94,408,213, C>T. VCF-style: chr7-94408213-C-T. GRCh37 (hg19) VCF-style: chr7-94037525-C-T.
Other names: short protein forms R224C.
Identifiers: ClinVar variation 1810759 (VCV001810759.4), dbSNP rs763047559, ClinGen allele CA368220281.